The following is an entry in ClinVar:

NM_001128840.3(CACNA1D):c.4998G>T (p.Glu1666Asp)

Gene: CACNA1D (calcium voltage-gated channel subunit alpha1 D; plus strand). Cytogenetic location: 3p21.1.
Variant type: single nucleotide variant.
Coding change: c.4998G>T on transcript NM_001128840.3 (MANE Select); coding-DNA position 4998, G replaced by T.
Protein change: p.Glu1666Asp; replaces glutamic acid 1666 with aspartic acid.
Molecular consequence: missense variant.
Genome position (GRCh38, 1-based): chr3:53,800,323, G>T. VCF-style: chr3-53800323-G-T. GRCh37 (hg19) VCF-style: chr3-53834350-G-T.
Other names: c.5058G>T, p.Glu1686Asp (NM_000720.4); c.4953G>T, p.Glu1651Asp (NM_001128839.3); short protein forms E1651D, E1666D, E1686D.
Identifiers: ClinVar variation 1352399 (VCV001352399.8), dbSNP rs368500737, ClinGen allele CA2455054.

ClinVar aggregate classification (germline): Uncertain significance (1 of 4 stars; one submission).

gnomAD v4.1: 10 of 1,613,800 alleles (0.00062%); highest among the groups gnomAD compares: Admixed American, 0.017%; no homozygotes.

Submission:

Labcorp Genetics (formerly Invitae), Labcorp
Classification: Uncertain significance. Last evaluated: 2025-05-11. Review status: criteria provided, single submitter. Criteria: Invitae Variant Classification Sherloc (09022015). Collection method: clinical testing. Allele origin: germline.
Comment: This sequence change replaces glutamic acid, which is acidic and polar, with aspartic acid, which is acidic and polar, at codon 1686 of the CACNA1D protein (p.Glu1686Asp). This variant is present in population databases (rs368500737, gnomAD 0.02%). This variant has not been reported in the literature in individuals affected with CACNA1D-related conditions. ClinVar contains an entry for this variant (Variation ID: 1352399). An algorithm developed to predict the effect of missense changes on protein structure and function outputs the following: PolyPhen-2: "Benign". The aspartic acid amino acid residue is found in multiple mammalian species, which suggests that this missense change does not adversely affect protein function. In summary, the available evidence is currently insufficient to determine the role of this variant in disease. Therefore, it has been classified as a Variant of Uncertain Significance.